The following is an entry in ClinVar:

NM_000492.4(CFTR):c.3808G>T (p.Asp1270Tyr)

Genes: CFTR (CF transmembrane conductance regulator; plus strand), CFTR-AS2 (CFTR antisense RNA 2; minus strand). Cytogenetic location: 7q31.2.
Variant type: single nucleotide variant.
Coding change: c.3808G>T on transcript NM_000492.4 (MANE Select); coding-DNA position 3808, G replaced by T.
Protein change: p.Asp1270Tyr; replaces aspartic acid 1270 with tyrosine.
Molecular consequence: missense variant.
Genome position (GRCh38, 1-based): chr7:117,642,528, G>T. VCF-style: chr7-117642528-G-T. GRCh37 (hg19) VCF-style: chr7-117282582-G-T.
Other names: short protein forms D1270Y.
Identifiers: ClinVar variation 2502286 (VCV002502286.2), dbSNP rs11971167, ClinGen allele CA327294.

ClinVar aggregate classification (germline): drug response. Review status: reviewed by expert panel (3 of 4 stars). 2 submissions from 2 submitters: drug response (1). 1 of the submissions does not count toward it. Last evaluated 2021-03-24.

Conditions:
Cystic fibrosis (CF). Also called: MUCOVISCIDOSIS. Identifiers: Orphanet 586, MedGen C0010674, MONDO:0009061, OMIM 219700. Disease mechanism: loss of function.
ivacaftor response - Efficacy. Identifiers: MedGen CN322735.

gnomAD v4.1: 2 of 1,613,598 alleles (0.00012%); highest among the groups gnomAD compares: Non-Finnish European, 0.000085%; no homozygotes.

Submissions (2):

ClinPGx
Classification: drug response for ivacaftor response - Efficacy. Last evaluated: 2021-03-24. Review status: reviewed by expert panel. Criteria: Pharmacogenomics knowledge for personalized medicine. Collection method: curation. Allele origin: germline. Affected: yes.
Comment: PharmGKB Level of Evidence 1A: Level 1A clinical annotations describe variant-drug combinations that have variant-specific prescribing guidance available in a current clinical guideline annotation or an FDA-approved drug label annotation. Annotations of drug labels or clinical guidelines must give prescribing guidance for specific variants (e.g. CYP2C9*3, HLA-B*57:01) or provide mapping from defined allele functions to diplotypes and phenotypes to be used as supporting evidence for a level 1A clinical annotation. Level 1A clinical annotations must also be supported by at least one publication in addition to a clinical guideline or drug label with variant-specific prescribing guidance.

Drug is not necessarily used to treat response condition

Ambry Genetics
Classification: Uncertain significance for Cystic fibrosis. Last evaluated: 2024-08-21. Review status: criteria provided, single submitter. Criteria: Ambry Variant Classification Scheme 2023. Collection method: clinical testing. Allele origin: germline. Not counted in ClinVar's aggregate classification.
Comment: The p.D1270Y variant (also known as c.3808G>T), located in coding exon 23 of the CFTR gene, results from a G to T substitution at nucleotide position 3808. The aspartic acid at codon 1270 is replaced by tyrosine, an amino acid with highly dissimilar properties. This alteration was identified in an individual diagnosed with cystic fibrosis however a second CFTR alteration was not documented (Raraigh KS et al. J Cyst Fibros, 2022 May;21:463-470). In an assay testing CFTR function, this variant showed a functionally abnormal result (Bihler H et al. J Cyst Fibros, 2024 Feb;:). This amino acid position is highly conserved in available vertebrate species. In addition, this alteration is predicted to be deleterious by in silico analysis. Based on the available evidence, the clinical significance of this variant remains unclear.

Literature cited by the submitters: PubMed 23891399 (cited by ClinPGx); PubMed 34782259 (cited by Ambry Genetics); PubMed 38388235 (cited by Ambry Genetics).